The following is an entry in ClinVar:

NM_005263.5(GFI1):c.347C>G (p.Pro116Arg)

Gene: GFI1 (growth factor independent 1 transcriptional repressor; minus strand). Cytogenetic location: 1p22.1.
Variant type: single nucleotide variant.
Coding change: c.347C>G on transcript NM_005263.5 (MANE Select); coding-DNA position 347, C replaced by G.
Protein change: p.Pro116Arg; replaces proline 116 with arginine.
Molecular consequence: missense variant.
Genome position (GRCh38, 1-based): chr1:92,481,040, G>C on the plus strand (C>G on the coding strand, the complement: GFI1 is on the minus strand). VCF-style: chr1-92481040-G-C. GRCh37 (hg19) VCF-style: chr1-92946597-G-C.
Other names: c.347C>G, p.Pro116Arg (NM_001127215.3, NM_001127216.3); short protein forms P116R.
Identifiers: ClinVar variation 1463641 (VCV001463641.8), dbSNP rs2101573617, ClinGen allele CA341150023.

ClinVar aggregate classification (germline): Uncertain significance (1 of 4 stars; one submission).

Conditions:
Neutropenia, severe congenital, 2, autosomal dominant. Identifiers: Orphanet 486, MedGen C2751288, MONDO:0013139, OMIM 613107.

Submission:

Labcorp Genetics (formerly Invitae), Labcorp
Classification: Uncertain significance for Neutropenia, severe congenital, 2, autosomal dominant. Last evaluated: 2023-10-13. Review status: criteria provided, single submitter. Criteria: Invitae Variant Classification Sherloc (09022015). Collection method: clinical testing. Allele origin: germline.
Comment: This sequence change replaces proline, which is neutral and non-polar, with arginine, which is basic and polar, at codon 116 of the GFI1 protein (p.Pro116Arg). This variant is not present in population databases (gnomAD no frequency). This variant has not been reported in the literature in individuals affected with GFI1-related conditions. ClinVar contains an entry for this variant (Variation ID: 1463641). Advanced modeling of protein sequence and biophysical properties (such as structural, functional, and spatial information, amino acid conservation, physicochemical variation, residue mobility, and thermodynamic stability) performed at Invitae indicates that this missense variant is not expected to disrupt GFI1 protein function. In summary, the available evidence is currently insufficient to determine the role of this variant in disease. Therefore, it has been classified as a Variant of Uncertain Significance.